The following is an entry in ClinVar:

NM_014795.4(ZEB2):c.1869del (p.Asn623fs)

Gene: ZEB2 (zinc finger E-box binding homeobox 2; minus strand). Cytogenetic location: 2q22.3.
Variant type: Deletion.
Coding change: c.1869del on transcript NM_014795.4 (MANE Select); coding-DNA position 1869, one base deleted (C; older notation c.1869delC).
Protein change: p.Asn623fs; shifts the reading frame from asparagine 623.
Molecular consequence: frameshift variant.
Genome position (GRCh38, 1-based): chr2:144,399,318, G deleted on the plus strand (C on the coding strand, the reverse complement: ZEB2 is on the minus strand). VCF-style (leftmost placement, unchanged base first): chr2-144399317-TG-T. GRCh37 (hg19) VCF-style: chr2-145156884-TG-T.
Other names: c.1797del, p.Asn599fs (NM_001171653.2); short protein forms N599fs, N623fs.
Identifiers: ClinVar variation 3818889 (VCV003818889.1).
Genomic context (GRCh38, chr2:144,399,317, plus strand): 5'-CTTTCTCAGAAAGTACAGATGACAAGAGGAGGGCTTTATTATCAACAAAAACTCCGGCTT[TG>T]TTGGGGACTATGTTTTCATGAGGCTGCAGGACCGCCTTGATCTCTTCATTCATCTTACAA-3'

ClinVar aggregate classification (germline): Pathogenic (1 of 4 stars; one submission).

Conditions:
Inborn genetic diseases. Identifiers: MedGen C0950123, MeSH D030342.

Submission:

Ambry Genetics
Classification: Pathogenic for Inborn genetic diseases. Last evaluated: 2024-12-19. Review status: criteria provided, single submitter. Criteria: Ambry Variant Classification Scheme 2023. Collection method: clinical testing. Allele origin: germline.
Comment: The c.1869delC (p.N623Kfs*23) alteration, located in exon 8 (coding exon 7) of the ZEB2 gene, consists of a deletion of one nucleotide at position 1869, causing a translational frameshift with a predicted alternate stop codon after 23 amino acids. This alteration is expected to result in loss of function by premature protein truncation or nonsense-mediated mRNA decay. This variant was not reported in population-based cohorts in the Genome Aggregation Database (gnomAD). Based on the available evidence, this alteration is classified as pathogenic.